The following is an entry in ClinVar:

NM_001348800.3(ZBTB20):c.463A>G (p.Ile155Val)

Gene: ZBTB20 (zinc finger and BTB domain containing 20; minus strand). Cytogenetic location: 3q13.31.
Variant type: single nucleotide variant.
Coding change: c.463A>G on transcript NM_001348800.3 (MANE Select); coding-DNA position 463, A replaced by G.
Protein change: p.Ile155Val; replaces isoleucine 155 with valine.
Molecular consequence: missense variant.
Genome position (GRCh38, 1-based): chr3:114,351,615, T>C on the plus strand (A>G on the coding strand, the complement: ZBTB20 is on the minus strand). VCF-style: chr3-114351615-T-C. GRCh37 (hg19) VCF-style: chr3-114070462-T-C.
Other names: c.463A>G, p.Ile155Val (NM_001164342.2, NM_001348803.3, NM_001393393.1 and 1 more transcripts); c.244A>G, p.Ile82Val (NM_001164343.2, NM_001164344.4, NM_001164345.4 and 9 more transcripts); short protein forms I82V, I155V.
Identifiers: ClinVar variation 4759520 (VCV004759520.1).

ClinVar aggregate classification (germline): Uncertain significance (1 of 4 stars; one submission).

gnomAD v4.1: 54 of 1,613,944 alleles (0.0033%); highest among the groups gnomAD compares: Non-Finnish European, 0.0044%; no homozygotes.

Submission:

Labcorp Genetics (formerly Invitae), Labcorp
Classification: Uncertain significance. Last evaluated: 2025-03-01. Review status: criteria provided, single submitter. Criteria: Invitae Variant Classification Sherloc (09022015). Collection method: clinical testing. Allele origin: germline.
Comment: This sequence change replaces isoleucine, which is neutral and non-polar, with valine, which is neutral and non-polar, at codon 155 of the ZBTB20 protein (p.Ile155Val). This variant is present in population databases (rs778036056, gnomAD 0.003%). This variant has not been reported in the literature in individuals affected with ZBTB20-related conditions. Invitae Evidence Modeling of protein sequence and biophysical properties (such as structural, functional, and spatial information, amino acid conservation, physicochemical variation, residue mobility, and thermodynamic stability) indicates that this missense variant is not expected to disrupt ZBTB20 protein function with a negative predictive value of 95%. In summary, the available evidence is currently insufficient to determine the role of this variant in disease. Therefore, it has been classified as a Variant of Uncertain Significance.